The following is an entry in ClinVar:

NM_006231.4(POLE):c.-1del

Genes: POLE (DNA polymerase epsilon, catalytic subunit; minus strand), LOC130009266 (ATAC-STARR-seq lymphoblastoid silent region 5123; plus strand). Cytogenetic location: 12q24.33.
Variant type: Deletion.
Coding change: c.-1del on transcript NM_006231.4 (MANE Select); 1 bases upstream of the start codon, one base deleted (C; older notation c.-1delC).
Molecular consequence: 5 prime UTR variant.
Genome position (GRCh38, 1-based): chr12:132,687,316, G deleted on the plus strand (C on the coding strand, the reverse complement: POLE is on the minus strand); the first of 2 consecutive G bases (chr12:132,687,316-132,687,317); deleting either gives the same sequence. VCF-style (leftmost placement, unchanged base first): chr12-132687315-TG-T. GRCh37 (hg19) VCF-style: chr12-133263901-TG-T.
Identifiers: ClinVar variation 3935684 (VCV003935684.1).

ClinVar aggregate classification (germline): Uncertain significance (1 of 4 stars; one submission).

Conditions:
Hereditary cancer-predisposing syndrome. Also called: Tumor predisposition; Hereditary neoplastic syndrome; Hereditary Cancer Syndrome; Neoplastic Syndromes, Hereditary. Identifiers: Orphanet 140162, MedGen C0027672, MeSH D009386, MONDO:0015356.

Submission:

Ambry Genetics
Classification: Uncertain significance for Hereditary cancer-predisposing syndrome. Last evaluated: 2025-03-18. Review status: criteria provided, single submitter. Criteria: Ambry Variant Classification Scheme 2023. Collection method: clinical testing. Allele origin: germline.
Comment: The c.-1delC variant is located in the 5' untranslated region (5'UTR) of the POLE gene. This variant results from a deletion of a single nucleotide (C), one nucleotide upstream from the first translated codon. This nucleotide position is not well conserved in available vertebrate species. Based on the available evidence, the clinical significance of this variant remains unclear.